The following is an entry in ClinVar:

ClinVar aggregate classification (germline): Benign (1 of 4 stars; one submission).

Allele frequency attached by ClinVar (database versions not stated): gnomAD 0.23218 and 0.23834; TOPMed 0.23908; 1000 Genomes Project 0.27456; 1000 Genomes Project 30x 0.27467.

Submission:

GeneDx
Classification: Benign. Last evaluated: 2018-06-14. Review status: criteria provided, single submitter. Criteria: GeneDx Variant Classification (06012015). Collection method: clinical testing. Allele origin: germline. Affected: yes.
Comment: This variant is considered likely benign or benign based on one or more of the following criteria: it is a conservative change, it occurs at a poorly conserved position in the protein, it is predicted to be benign by multiple in silico algorithms, and/or has population frequency not consistent with disease.

NM_016417.3(GLRX5):c.295+311A>G

Gene: GLRX5 (glutaredoxin 5; plus strand). Cytogenetic location: 14q32.13.
Variant type: single nucleotide variant.
Coding change: c.295+311A>G on transcript NM_016417.3 (MANE Select); 311 bases into the intron after coding-DNA position 295, A replaced by G.
Molecular consequence: intron variant.
Genome position (GRCh38, 1-based): chr14:95,535,695, A>G. VCF-style: chr14-95535695-A-G. GRCh37 (hg19) VCF-style: chr14-96002032-A-G.
Identifiers: ClinVar variation 684015 (VCV000684015.1), dbSNP rs2295834, ClinGen allele CA13948284.
Genomic context (GRCh38, chr14:95,535,695, plus strand): 5'-TCCTAAAGGTTCACTTATCCTCACTTCGAGCTAATATAGGCGTTTCGGGGCGATTTGTCA[A>G]TGACTGACTCGGAGGAGGGTGGCCCGCTGCCTGACTGCTCTGCACGGTTAGGAAACTCAT-3'